The following is an entry in ClinVar:

ClinVar aggregate classification (germline): Uncertain significance (1 of 4 stars; one submission).

Conditions:
Inborn genetic diseases. Identifiers: MedGen C0950123, MeSH D030342.

Submission:

Ambry Genetics
Classification: Uncertain significance for Inborn genetic diseases. Last evaluated: 2025-05-16. Review status: criteria provided, single submitter. Criteria: Ambry Variant Classification Scheme 2023. Collection method: clinical testing. Allele origin: germline.
Comment: The p.G175D variant (also known as c.524G>A), located in coding exon 4 of the G6PC3 gene, results from a G to A substitution at nucleotide position 524. The glycine at codon 175 is replaced by aspartic acid, an amino acid with similar properties. This amino acid position is conserved. In addition, this alteration is predicted to be deleterious by in silico analysis. Based on the available evidence, the clinical significance of this variant remains unclear.

NM_138387.4(G6PC3):c.524G>A (p.Gly175Asp)

Gene: G6PC3 (glucose-6-phosphatase catalytic subunit 3; plus strand). Cytogenetic location: 17q21.31.
Variant type: single nucleotide variant.
Coding change: c.524G>A on transcript NM_138387.4 (MANE Select); coding-DNA position 524, G replaced by A.
Protein change: p.Gly175Asp; replaces glycine 175 with aspartic acid.
Molecular consequence: missense variant. On other transcripts: intron variant (1).
Genome position (GRCh38, 1-based): chr17:44,075,076, G>A. VCF-style: chr17-44075076-G-A. GRCh37 (hg19) VCF-style: chr17-42152444-G-A.
Other names: c.179G>A, p.Gly60Asp (NM_001384165.1, NM_001384166.1, NM_001384167.1 and 1 more transcripts); c.417-234G>A (NM_001319945.2); short protein forms G175D, G60D.
Identifiers: ClinVar variation 4027602 (VCV004027602.1).